The following is an entry in ClinVar:

NM_001195263.2(PDZD7):c.930_949dup (p.Gln317fs)

Gene: PDZD7 (PDZ domain containing 7; minus strand). Cytogenetic location: 10q24.31.
Variant type: Duplication.
Coding change: c.930_949dup on transcript NM_001195263.2 (MANE Select); coding-DNA positions 930 to 949, 20 bases duplicated (GAGCAACGGGGTGCTGCAGC).
Protein change: p.Gln317fs; shifts the reading frame from glutamine 317.
Molecular consequence: frameshift variant.
Genome position (GRCh38, 1-based): chr10:101,019,197-101,019,216, GCTGCAGCACCCCGTTGCTC duplicated on the plus strand (GAGCAACGGGGTGCTGCAGC on the coding strand, the reverse complement: PDZD7 is on the minus strand). VCF-style (leftmost placement, unchanged base first): chr10-101019196-T-TGCTGCAGCACCCCGTTGCTC. GRCh37 (hg19) VCF-style: chr10-102778953-T-TGCTGCAGCACCCCGTTGCTC.
Other names: c.930_949dup, p.Gln317fs (NM_001351044.2, NM_024895.5); short protein forms Q317fs.
Identifiers: ClinVar variation 1992821 (VCV001992821.4), dbSNP rs2492894330, ClinGen allele CA2580081142.

ClinVar aggregate classification (germline): Pathogenic (1 of 4 stars; one submission).

Submission:

Labcorp Genetics (formerly Invitae), Labcorp
Classification: Pathogenic. Last evaluated: 2022-05-10. Review status: criteria provided, single submitter. Criteria: Invitae Variant Classification Sherloc (09022015). Collection method: clinical testing. Allele origin: germline.
Comment: This variant is not present in population databases (gnomAD no frequency). This sequence change creates a premature translational stop signal (p.Gln317Argfs*129) in the PDZD7 gene. It is expected to result in an absent or disrupted protein product. Loss-of-function variants in PDZD7 are known to be pathogenic (PMID: 20440071). For these reasons, this variant has been classified as Pathogenic. This variant has not been reported in the literature in individuals affected with PDZD7-related conditions.

Literature cited by the submitters: PubMed 20440071.